The following is an entry in ClinVar:

ClinVar aggregate classification (germline): Uncertain significance. Review status: criteria provided, multiple submitters, no conflicts (2 of 4 stars). 3 submissions from 3 submitters: Uncertain significance (3). Last evaluated 2024-09-11.

Conditions:
Familial thoracic aortic aneurysm and aortic dissection (TAAD). Also called: Thoracic aortic aneurysms and dissections. Identifiers: Orphanet 91387, MedGen C4707243, MONDO:0019625.
Aortic aneurysm, familial thoracic 4 (AAT4). Also called: AORTIC ANEURYSM/AORTIC DISSECTION AND PATENT DUCTUS ARTERIOSUS. Identifiers: MedGen C1851504, MONDO:0007568, OMIM 132900.

Submissions (3):

Labcorp Genetics (formerly Invitae), Labcorp
Classification: Uncertain significance for Aortic aneurysm, familial thoracic 4. Last evaluated: 2024-09-11. Review status: criteria provided, single submitter. Criteria: Invitae Variant Classification Sherloc (09022015). Collection method: clinical testing. Allele origin: germline.
Comment: This sequence change replaces glutamine, which is neutral and polar, with leucine, which is neutral and non-polar, at codon 1172 of the MYH11 protein (p.Gln1172Leu). This variant is not present in population databases (gnomAD no frequency). This variant has not been reported in the literature in individuals affected with MYH11-related conditions. ClinVar contains an entry for this variant (Variation ID: 1332686). Invitae Evidence Modeling of protein sequence and biophysical properties (such as structural, functional, and spatial information, amino acid conservation, physicochemical variation, residue mobility, and thermodynamic stability) indicates that this missense variant is not expected to disrupt MYH11 protein function with a negative predictive value of 95%. In summary, the available evidence is currently insufficient to determine the role of this variant in disease. Therefore, it has been classified as a Variant of Uncertain Significance.

Color Diagnostics, LLC DBA Color Health
Classification: Uncertain significance for Familial thoracic aortic aneurysm and aortic dissection. Last evaluated: 2024-03-06. Review status: criteria provided, single submitter. Criteria: ACMG Guidelines, 2015. Collection method: clinical testing. Allele origin: germline.
Comment: This missense variant replaces glutamine with leucine at codon 1172 of the MYH11 protein. Computational prediction suggests that this variant may have deleterious impact on protein structure and function (internally defined REVEL score threshold >= 0.7, PMID: 27666373). To our knowledge, functional studies have not been reported for this variant. This variant has not been reported in individuals affected with cardiovascular disorders in the literature. This variant has not been identified in the general population by the Genome Aggregation Database (gnomAD). The available evidence is insufficient to determine the role of this variant in disease conclusively. Therefore, this variant is classified as a Variant of Uncertain Significance.

Ambry Genetics
Classification: Uncertain significance for Familial thoracic aortic aneurysm and aortic dissection. Last evaluated: 2022-04-29. Review status: criteria provided, single submitter. Criteria: Ambry Variant Classification Scheme 2023. Collection method: clinical testing. Allele origin: germline.
Comment: The p.Q1165L variant (also known as c.3494A>T), located in coding exon 25 of the MYH11 gene, results from an A to T substitution at nucleotide position 3494. The glutamine at codon 1165 is replaced by leucine, an amino acid with dissimilar properties. This amino acid position is conserved. In addition, the in silico prediction for this alteration is inconclusive. Since supporting evidence is limited at this time, the clinical significance of this alteration remains unclear.

NM_002474.3(MYH11):c.3494A>T (p.Gln1165Leu)

Gene: MYH11 (myosin heavy chain 11; minus strand). Cytogenetic location: 16p13.11.
Variant type: single nucleotide variant.
Coding change: c.3494A>T on transcript NM_002474.3 (MANE Select); coding-DNA position 3494, A replaced by T.
Protein change: p.Gln1165Leu; replaces glutamine 1165 with leucine.
Molecular consequence: missense variant.
Genome position (GRCh38, 1-based): chr16:15,735,378, T>A on the plus strand (A>T on the coding strand, the complement: MYH11 is on the minus strand). VCF-style: chr16-15735378-T-A. GRCh37 (hg19) VCF-style: chr16-15829235-T-A.
Other names: c.3515A>T, p.Gln1172Leu (NM_001040113.2, NM_001040114.2); c.3494A>T, p.Gln1165Leu (NM_022844.3); short protein forms Q1165L, Q1172L.
Identifiers: ClinVar variation 1332686 (VCV001332686.8), dbSNP rs2151240746, ClinGen allele CA394861754.